The following is an entry in ClinVar:

NC_000021.8:g.(?_44488599)_(44492323_?)del

Gene: CBS (cystathionine beta-synthase; minus strand). Cytogenetic location: 21q22.3.
Variant type: Deletion.
Identifiers: ClinVar variation 1076335 (VCV001076335.44).

ClinVar aggregate classification (germline): Pathogenic (1 of 4 stars; one submission).

Conditions:
HYPERHOMOCYSTEINEMIA, THROMBOTIC, CBS-RELATED. Identifiers: MedGen C3150344, OMIM 236200.

Submission:

Labcorp Genetics (formerly Invitae), Labcorp
Classification: Pathogenic for HYPERHOMOCYSTEINEMIA, THROMBOTIC, CBS-RELATED. Last evaluated: 2020-05-21. Review status: criteria provided, single submitter. Criteria: Invitae Variant Classification Sherloc (09022015). Collection method: clinical testing. Allele origin: germline.
Comment: For these reasons, this variant has been classified as Pathogenic. Loss-of-function variants in CBS are known to be pathogenic (PMID: 10338090, 12124992). This variant has not been reported in the literature in individuals with CBS-related conditions. This variant is a gross deletion of the genomic region encompassing exon(s) 3-4 of the CBS gene, which includes the initiator codon. The 5' end of this event is unknown as it extends beyond the assayed region for this gene and therefore may encompass additional genes. The 3' boundary is likely confined to intron 4 of the CBS gene. This is expected to result in an absent or disrupted protein product.

Literature cited by the submitters: PubMed 10338090; PubMed 12124992.